The following is an entry in ClinVar:

NM_003995.4(NPR2):c.2926C>G (p.Arg976Gly)

Genes: NPR2 (natriuretic peptide receptor 2; plus strand), SPAG8 (sperm associated antigen 8; minus strand). Cytogenetic location: 9p13.3.
Variant type: single nucleotide variant.
Coding change: c.2926C>G on transcript NM_003995.4 (MANE Select); coding-DNA position 2926, C replaced by G.
Protein change: p.Arg976Gly; replaces arginine 976 with glycine.
Molecular consequence: missense variant. On other transcripts: intron variant (2).
Genome position (GRCh38, 1-based): chr9:35,808,793, C>G. VCF-style: chr9-35808793-C-G. GRCh37 (hg19) VCF-style: chr9-35808790-C-G.
Other names: c.2935C>G, p.Arg979Gly (NM_001378923.1); c.1201-487G>C (NM_001366760.2); c.1373-487G>C (NM_172312.2); short protein forms R979G, R976G.
Identifiers: ClinVar variation 4783484 (VCV004783484.1).

ClinVar aggregate classification (germline): Uncertain significance (1 of 4 stars; one submission).

Conditions:
Acromesomelic dysplasia 1, Maroteaux type (AMD1). Also called: ST. HELENA DYSPLASIA; ACROMESOMELIC DYSPLASIA 1. Identifiers: Orphanet 40, MedGen C1864356, MONDO:0011275, OMIM 602875.
Tall stature-scoliosis-macrodactyly of the great toes syndrome. Also called: Epiphyseal chondrodysplasia, miura type. Identifiers: Orphanet 329191, MedGen C4014690, MONDO:0014401, OMIM 615923.

Submission:

Labcorp Genetics (formerly Invitae), Labcorp
Classification: Uncertain significance for Tall stature-scoliosis-macrodactyly of the great toes syndrome; Acromesomelic dysplasia 1, Maroteaux type. Last evaluated: 2025-03-20. Review status: criteria provided, single submitter. Criteria: Invitae Variant Classification Sherloc (09022015). Collection method: clinical testing. Allele origin: germline.
Comment: This sequence change replaces arginine, which is basic and polar, with glycine, which is neutral and non-polar, at codon 976 of the NPR2 protein (p.Arg976Gly). This variant is not present in population databases (gnomAD no frequency). This variant has not been reported in the literature in individuals affected with NPR2-related conditions. Invitae Evidence Modeling of protein sequence and biophysical properties (such as structural, functional, and spatial information, amino acid conservation, physicochemical variation, residue mobility, and thermodynamic stability) indicates that this missense variant is expected to disrupt NPR2 protein function with a positive predictive value of 80%. In summary, the available evidence is currently insufficient to determine the role of this variant in disease. Therefore, it has been classified as a Variant of Uncertain Significance.